The following is an entry in ClinVar:

NM_012210.4(TRIM32):c.1135G>A (p.Val379Met)

Genes: ASTN2 (astrotactin 2; minus strand), TRIM32 (tripartite motif containing 32; plus strand). Cytogenetic location: 9q33.1.
Variant type: single nucleotide variant.
Coding change: c.1135G>A on transcript NM_012210.4 (MANE Select); coding-DNA position 1135, G replaced by A.
Protein change: p.Val379Met; replaces valine 379 with methionine.
Molecular consequence: missense variant. On other transcripts: intron variant (3).
Genome position (GRCh38, 1-based): chr9:116,698,877, G>A. VCF-style: chr9-116698877-G-A. GRCh37 (hg19) VCF-style: chr9-119461156-G-A.
Other names: c.1135G>A, p.Val379Met (NM_001099679.2, NM_001379048.1, NM_001379049.1 and 1 more transcripts); c.2653+26894C>T (NM_014010.5); c.2794+26894C>T (NM_001365069.1); c.2806+26894C>T (NM_001365068.1); short protein forms V379M.
Identifiers: ClinVar variation 1425945 (VCV001425945.5), dbSNP rs1861026363, ClinGen allele CA374651031.

ClinVar aggregate classification (germline): Uncertain significance. Review status: criteria provided, multiple submitters, no conflicts (2 of 4 stars). 3 submissions from 3 submitters: Uncertain significance (2). 1 of the submissions does not count toward it. Last evaluated 2022-03-29.

Conditions:
TRIM32-related disorder. Also called: TRIM32-related condition.
Sarcotubular myopathy (LGMDR8). Also called: MUSCULAR DYSTROPHY, LIMB-GIRDLE, AUTOSOMAL RECESSIVE 8; Autosomal recessive limb-girdle muscular dystrophy type 2H; Hutterite type of muscular dystrophy; Limb-girdle muscular dystrophy, type 2H. Identifiers: Orphanet 1878, MedGen C0270968, MONDO:0009683, OMIM 254110.
Bardet-Biedl syndrome 11 (BBS11). Identifiers: Orphanet 110, MedGen C1859569, MONDO:0014439, OMIM 615988.
Bardet-Biedl syndrome (BBS). Identifiers: Orphanet 110, MedGen C0752166, MONDO:0015229.

Allele frequency attached by ClinVar (database versions not stated): gnomAD exomes below 0.00001; TOPMed below 0.00001.
gnomAD v4.1: 4 of 1,614,240 alleles (0.00025%); highest among the groups gnomAD compares: East Asian, 0.0022%; no homozygotes.

Submissions (3):

Fulgent Genetics
Classification: Uncertain significance for Sarcotubular myopathy; Bardet-Biedl syndrome 11. Last evaluated: 2022-03-29. Review status: criteria provided, single submitter. Criteria: ACMG Guidelines, 2015. Collection method: clinical testing. Allele origin: unknown.

Labcorp Genetics (formerly Invitae), Labcorp
Classification: Uncertain significance for Bardet-Biedl syndrome. Last evaluated: 2021-10-11. Review status: criteria provided, single submitter. Criteria: Invitae Variant Classification Sherloc (09022015). Collection method: clinical testing. Allele origin: germline.
Comment: This sequence change replaces valine with methionine at codon 379 of the TRIM32 protein (p.Val379Met). The valine residue is highly conserved and there is a small physicochemical difference between valine and methionine. This variant is not present in population databases (ExAC no frequency). This variant has not been reported in the literature in individuals affected with TRIM32-related conditions. Algorithms developed to predict the effect of missense changes on protein structure and function are either unavailable or do not agree on the potential impact of this missense change (SIFT: "Deleterious"; PolyPhen-2: "Possibly Damaging"; Align-GVGD: "Class C15"). In summary, the available evidence is currently insufficient to determine the role of this variant in disease. Therefore, it has been classified as a Variant of Uncertain Significance.

PreventionGenetics, part of Exact Sciences
Classification: Uncertain significance for TRIM32-related condition. Last evaluated: 2024-07-17. Review status: no assertion criteria provided. Collection method: clinical testing. Allele origin: germline. Not counted in ClinVar's aggregate classification.
Comment: The TRIM32 c.1135G>A variant is predicted to result in the amino acid substitution p.Val379Met. To our knowledge, this variant has not been reported in the literature or in a large population database, indicating this variant is rare. At this time, the clinical significance of this variant is uncertain due to the absence of conclusive functional and genetic evidence.